The following is an entry in ClinVar:

ClinVar aggregate classification (germline): Uncertain significance (1 of 4 stars; one submission).

Conditions:
Emery-Dreifuss muscular dystrophy (EDMD). Also called: Scapuloperoneal syndrome, X-linked (formerly); Humeroperoneal neuromuscular disease, (formerly). Identifiers: Orphanet 261, MedGen C0410189, MONDO:0016830.

Allele frequency attached by ClinVar (database versions not stated): gnomAD exomes 0.00001; ExAC 0.00002.
gnomAD v4.1: 14 of 1,614,014 alleles (0.00087%); highest among the groups gnomAD compares: Middle Eastern, 0.016%; no homozygotes.

Submission:

Labcorp Genetics (formerly Invitae), Labcorp
Classification: Uncertain significance for Emery-Dreifuss muscular dystrophy. Last evaluated: 2025-09-01. Review status: criteria provided, single submitter. Criteria: Invitae Variant Classification Sherloc (09022015). Collection method: clinical testing. Allele origin: germline.
Comment: This sequence change replaces serine, which is neutral and polar, with glycine, which is neutral and non-polar, at codon 19 of the SUN2 protein (p.Ser19Gly). This variant is present in population databases (rs747765292, gnomAD 0.006%). This variant has not been reported in the literature in individuals affected with SUN2-related conditions. ClinVar contains an entry for this variant (Variation ID: 3006604). An algorithm developed to predict the effect of missense changes on protein structure and function outputs the following: PolyPhen-2: "Benign". The glycine amino acid residue is found in multiple mammalian species, which suggests that this missense change does not adversely affect protein function. In summary, the available evidence is currently insufficient to determine the role of this variant in disease. Therefore, it has been classified as a Variant of Uncertain Significance.

NM_015374.3(SUN2):c.55A>G (p.Ser19Gly)

Gene: SUN2 (Sad1 and UNC84 domain containing 2; minus strand). Cytogenetic location: 22q13.1.
Variant type: single nucleotide variant.
Coding change: c.55A>G on transcript NM_015374.3 (MANE Select); coding-DNA position 55, A replaced by G.
Protein change: p.Ser19Gly; replaces serine 19 with glycine.
Molecular consequence: missense variant.
Genome position (GRCh38, 1-based): chr22:38,752,574, T>C on the plus strand (A>G on the coding strand, the complement: SUN2 is on the minus strand). VCF-style: chr22-38752574-T-C. GRCh37 (hg19) VCF-style: chr22-39148579-T-C.
Other names: c.55A>G, p.Ser19Gly (NM_001199579.2, NM_001199580.2, NM_001394427.1 and 18 more transcripts); short protein forms S19G.
Identifiers: ClinVar variation 3006604 (VCV003006604.3), dbSNP rs747765292, ClinGen allele CA10236118.
Genomic context (GRCh38, chr22:38,752,574, plus strand): 5'-GACTGTCTTTAAACAGGGTGCTCTGACTCCCAGCCACCGAGCTCCCTCCGCTGCTGCTGC[T>C]GCCGTCATCGTCACCCTGGGAGTAGCGCGTGAGGCGCTGGCTTCTTCGGGACATGATGAG-3'
Protein context (NP_056189.1, residues 9-29): TRYSQGDDDG[Ser19Gly]SSSGGSSVAG